The following is an entry in ClinVar:

NM_000384.3(APOB):c.1038T>G (p.Asn346Lys)

Gene: APOB (apolipoprotein B; minus strand). Cytogenetic location: 2p24.1.
Variant type: single nucleotide variant.
Coding change: c.1038T>G on transcript NM_000384.3 (MANE Select); coding-DNA position 1038, T replaced by G.
Protein change: p.Asn346Lys; replaces asparagine 346 with lysine.
Molecular consequence: missense variant.
Genome position (GRCh38, 1-based): chr2:21,033,385, A>C on the plus strand (T>G on the coding strand, the complement: APOB is on the minus strand). VCF-style: chr2-21033385-A-C. GRCh37 (hg19) VCF-style: chr2-21256257-A-C.
Other names: short protein forms N346K.
Identifiers: ClinVar variation 2953498 (VCV002953498.3), dbSNP rs2465435805, ClinGen allele CA345958759.

ClinVar aggregate classification (germline): Uncertain significance (1 of 4 stars; one submission).

Conditions:
Hypercholesterolemia, autosomal dominant, type B (FHCL2). Also called: APOB-Related Familial Hypercholesterolemia, Autosomal Dominant; Familial Hypercholesterolemia Type B; APOLIPOPROTEIN B-100, FAMILIAL DEFECTIVE; APOLIPOPROTEIN B-100, FAMILIAL LIGAND-DEFECTIVE; HYPERCHOLESTEROLEMIA, FAMILIAL, DUE TO LIGAND-DEFECTIVE APOLIPOPROTEIN B; Hyperlipoproteinemia Type IIb. Identifiers: MedGen C1704417, MONDO:0007751, OMIM 144010.
Familial hypobetalipoproteinemia 1. Also called: Hypobetalipoproteinemia, normotriglyceridemic; Acanthocytosis with hypobetalipoproteinemia; APOB-Related Familial Hypobetalipoproteinemia. Identifiers: MedGen C4551990, MONDO:0014252, OMIM 615558.

Submission:

Labcorp Genetics (formerly Invitae), Labcorp
Classification: Uncertain significance for Familial hypobetalipoproteinemia 1; Hypercholesterolemia, autosomal dominant, type B. Last evaluated: 2023-11-02. Review status: criteria provided, single submitter. Criteria: Invitae Variant Classification Sherloc (09022015). Collection method: clinical testing. Allele origin: germline.
Comment: This sequence change replaces asparagine, which is neutral and polar, with lysine, which is basic and polar, at codon 346 of the APOB protein (p.Asn346Lys). This variant is not present in population databases (gnomAD no frequency). This variant has not been reported in the literature in individuals affected with APOB-related conditions. Advanced modeling of protein sequence and biophysical properties (such as structural, functional, and spatial information, amino acid conservation, physicochemical variation, residue mobility, and thermodynamic stability) performed at Invitae indicates that this missense variant is not expected to disrupt APOB protein function with a negative predictive value of 95%. In summary, the available evidence is currently insufficient to determine the role of this variant in disease. Therefore, it has been classified as a Variant of Uncertain Significance.